The following is an entry in ClinVar:

NM_004656.4(BAP1):c.1290C>T (p.Ser430=)

Gene: BAP1 (BRCA1 associated deubiquitinase 1; minus strand). Cytogenetic location: 3p21.1.
Variant type: single nucleotide variant.
Coding change: c.1290C>T on transcript NM_004656.4 (MANE Select); coding-DNA position 1290, C replaced by T.
Protein change: p.Ser430=; no amino-acid change (serine 430 retained).
Molecular consequence: synonymous variant.
Genome position (GRCh38, 1-based): chr3:52,403,855, G>A on the plus strand (C>T on the coding strand, the complement: BAP1 is on the minus strand). VCF-style: chr3-52403855-G-A. GRCh37 (hg19) VCF-style: chr3-52437871-G-A.
Identifiers: ClinVar variation 490789 (VCV000490789.20), dbSNP rs773592865, ClinGen allele CA2436833.

ClinVar aggregate classification (germline): Conflicting classifications of pathogenicity. Review status: criteria provided, conflicting classifications (1 of 4 stars). 6 submissions from 6 submitters: Uncertain significance (1); Benign (1); Likely benign (4). Last evaluated 2025-12-22.

Conditions:
BAP1-related tumor predisposition syndrome (TPDS1). Also called: Tumor susceptibility linked to germline BAP1 mutations; BAP1 tumor predisposition syndrome; COMMON Syndrome; TUMOR PREDISPOSITION SYNDROME 1. Identifiers: Orphanet 289539, MedGen C3280492, MONDO:0013692, OMIM 614327.
Hereditary cancer-predisposing syndrome. Also called: Tumor predisposition; Hereditary Cancer Syndrome; Neoplastic Syndromes, Hereditary; Hereditary neoplastic syndrome. Identifiers: Orphanet 140162, MedGen C0027672, MeSH D009386, MONDO:0015356.

Allele frequency attached by ClinVar (database versions not stated): gnomAD 0.00001 and 0.00002; ExAC 0.00002; TOPMed 0.00005.
gnomAD v4.1: 21 of 1,613,902 alleles (0.0013%); highest among the groups gnomAD compares: African/African-American, 0.0053%; no homozygotes.

Submissions (6):

Labcorp Genetics (formerly Invitae), Labcorp
Classification: Likely benign for BAP1-related tumor predisposition syndrome. Last evaluated: 2025-12-22. Review status: criteria provided, single submitter. Criteria: Invitae Variant Classification Sherloc (09022015). Collection method: clinical testing. Allele origin: germline.

Myriad Genetics, Inc.
Classification: Benign for BAP1-related tumor predisposition syndrome. Last evaluated: 2024-07-16. Review status: criteria provided, single submitter. Criteria: Myriad Autosomal Dominant, Autosomal Recessive and X-Linked Classification Criteria (2023). Collection method: clinical testing. Allele origin: unknown.
Comment: This variant is considered benign. This variant is a silent/synonymous amino acid change and it is not expected to impact splicing.

Blueprint Genetics
Classification: Likely benign. Last evaluated: 2023-08-29. Review status: criteria provided, single submitter. Criteria: ACMG Guidelines, 2015. Collection method: clinical testing. Allele origin: germline.

Eurofins Ntd Llc (ga)
Classification: Uncertain significance. Last evaluated: 2018-06-07. Review status: criteria provided, single submitter. Criteria: EGL ClinVar v180209 classification definitions. Collection method: clinical testing. Allele origin: germline. Observed: 1 variant allele, 1 heterozygote.

Ambry Genetics
Classification: Likely benign for Hereditary cancer-predisposing syndrome. Last evaluated: 2018-05-22. Review status: criteria provided, single submitter. Criteria: Ambry Variant Classification Scheme 2023. Collection method: clinical testing. Allele origin: germline.

Color Diagnostics, LLC DBA Color Health
Classification: Likely benign for Hereditary cancer-predisposing syndrome. Last evaluated: 2017-08-11. Review status: criteria provided, single submitter. Criteria: ACMG Guidelines, 2015. Collection method: clinical testing. Allele origin: germline.